The following is an entry in ClinVar:

ClinVar aggregate classification (germline): Pathogenic (1 of 4 stars; one submission).

Conditions:
Cardiovascular phenotype. Identifiers: MedGen CN230736.

Submission:

Ambry Genetics
Classification: Pathogenic for Cardiovascular phenotype. Last evaluated: 2026-06-25. Review status: criteria provided, single submitter. Criteria: Ambry Variant Classification Scheme 2023. Collection method: clinical testing. Allele origin: germline.
Comment: The c.6745delG pathogenic mutation, located in coding exon 41 of the FLNC gene, results from a deletion of one nucleotide at nucleotide position 6745, causing a translational frameshift with a predicted alternate stop codon (p.D2249Tfs*2). This variant is considered to be rare based on population cohorts in the Genome Aggregation Database (gnomAD). This alteration is expected to result in loss of function by premature protein truncation or nonsense-mediated mRNA decay. As such, this alteration is interpreted as a disease-causing mutation.

NM_001458.5(FLNC):c.6745del (p.Asp2249fs)

Genes: FLNC (filamin C; plus strand), FLNC-AS1 (FLNC antisense RNA 1; minus strand). Cytogenetic location: 7q32.1.
Variant type: Deletion.
Coding change: c.6745del on transcript NM_001458.5 (MANE Select); coding-DNA position 6745, one base deleted (G; older notation c.6745delG).
Protein change: p.Asp2249fs; shifts the reading frame from aspartic acid 2249.
Molecular consequence: frameshift variant.
Genome position (GRCh38, 1-based): chr7:128,854,430, G deleted; the last of 2 consecutive G bases (chr7:128,854,429-128,854,430); deleting either gives the same sequence. VCF-style (leftmost placement, unchanged base first): chr7-128854428-AG-A. GRCh37 (hg19) VCF-style: chr7-128494482-AG-A.
Other names: c.6646del, p.Asp2216fs (NM_001127487.2); short protein forms D2216fs, D2249fs.
Identifiers: ClinVar variation 5021937 (VCV005021937.1).